The following is an entry in ClinVar:

ClinVar aggregate classification (germline): Likely benign (1 of 4 stars; one submission).

Allele frequency attached by ClinVar (database versions not stated): 1000 Genomes Project 30x 0.00187.
gnomAD v4.1: 546 of 1,612,888 alleles (0.034%); highest among the groups gnomAD compares: South Asian, 0.56%; 8 homozygotes.

Submission:

CeGaT Center for Human Genetics Tuebingen
Classification: Likely benign. Last evaluated: 2022-04-01. Review status: criteria provided, single submitter. Criteria: CeGaT Center For Human Genetics Tuebingen Variant Classification Criteria Version 2. Collection method: clinical testing. Allele origin: germline. Affected: yes. Observed: 1 variant allele.
Comment: PIK3CG: BP4, BP7

NM_001282426.2(PIK3CG):c.528G>T (p.Thr176=)

Gene: PIK3CG (phosphatidylinositol-4,5-bisphosphate 3-kinase catalytic subunit gamma; plus strand). Cytogenetic location: 7q22.3.
Variant type: single nucleotide variant.
Coding change: c.528G>T on transcript NM_001282426.2 (MANE Select); coding-DNA position 528, G replaced by T.
Protein change: p.Thr176=; no amino-acid change (threonine 176 retained).
Molecular consequence: synonymous variant.
Genome position (GRCh38, 1-based): chr7:106,868,089, G>T. VCF-style: chr7-106868089-G-T. GRCh37 (hg19) VCF-style: chr7-106508534-G-T.
Other names: c.528G>T, p.Thr176= (NM_001282427.2, NM_002649.3).
Identifiers: ClinVar variation 2657925 (VCV002657925.24), dbSNP rs369976624, ClinGen allele CA4429193.